The following is an entry in ClinVar:

ClinVar aggregate classification (germline): Uncertain significance (1 of 4 stars; one submission).

Conditions:
Multiple endocrine neoplasia, type 2 (MEN2). Identifiers: Orphanet 653, MedGen C4048306, MONDO:0019003. Disease mechanism: gain of function.

Submission:

Labcorp Genetics (formerly Invitae), Labcorp
Classification: Uncertain significance for Multiple endocrine neoplasia, type 2. Last evaluated: 2024-11-11. Review status: criteria provided, single submitter. Criteria: Invitae Variant Classification Sherloc (09022015). Collection method: clinical testing. Allele origin: germline.
Comment: This sequence change falls in intron 17 of the RET gene. It does not directly change the encoded amino acid sequence of the RET protein. It affects a nucleotide within the consensus splice site. This variant is not present in population databases (gnomAD no frequency). This variant has not been reported in the literature in individuals affected with RET-related conditions. ClinVar contains an entry for this variant (Variation ID: 2809866). Variants that disrupt the consensus splice site are a relatively common cause of aberrant splicing (PMID: 17576681, 9536098). Algorithms developed to predict the effect of sequence changes on RNA splicing suggest that this variant may disrupt the consensus splice site. In summary, the available evidence is currently insufficient to determine the role of this variant in disease. Therefore, it has been classified as a Variant of Uncertain Significance.

Literature cited by the submitters: PubMed 17576681; PubMed 9536098.

NM_020975.6(RET):c.2939+4_2939+5del

Gene: RET (ret proto-oncogene; plus strand). Cytogenetic location: 10q11.21.
Variant type: Deletion.
Coding change: c.2939+4_2939+5del on transcript NM_020975.6 (MANE Select); bases 4 to 5 of the intron after coding-DNA position 2939, 2 bases deleted (AG; older notation c.2939+4_2939+5delAG).
Molecular consequence: intron variant.
Genome position (GRCh38, 1-based): chr10:43,123,812-43,123,813, AG deleted; deleting any 2 consecutive bases within chr10:43,123,811-43,123,813 gives the same sequence; the c. name uses the placement nearest the transcript's 3' end. VCF-style (leftmost placement, unchanged base first): chr10-43123810-TGA-T. GRCh37 (hg19) VCF-style: chr10-43619258-TGA-T.
Other names: c.2939+4_2939+5del (NM_020630.7, NM_001406743.1, NM_001406744.1 and 2 more transcripts); c.2804+4_2804+5del (NM_001406765.1, NM_001406763.1); c.2543+4_2543+5del (NM_001406772.1, NM_001406769.1); c.2501+4_2501+5del (NM_001406773.1, NM_001406771.1); c.2042+4_2042+5del (NM_001406782.1, NM_001406780.1, NM_001406779.1 and 1 more transcripts); c.1907+4_1907+5del (NM_001406787.1); c.1922+4_1922+5del (NM_001406785.1); c.2810+4_2810+5del (NM_001406764.1, NM_001406762.1, NM_001406761.1); and 10 more.
Identifiers: ClinVar variation 2809866 (VCV002809866.3), dbSNP rs2538617515, ClinGen allele CA2739265346.